The following is an entry in ClinVar:

ClinVar aggregate classification (germline): Pathogenic (1 of 4 stars; one submission).

Submission:

GeneDx
Classification: Pathogenic. Last evaluated: 2018-05-21. Review status: criteria provided, single submitter. Criteria: GeneDx Variant Classification (06012015). Collection method: clinical testing. Allele origin: germline. Affected: yes.
Comment: The E1845X variant has been reported previously in association with Duchenne muscular dystrophy (Kalman et al.,2011). This variant is predicted to cause loss of normal protein function either through protein truncation or nonsensemediatedmRNA decay. The E1845X variant is not observed in large population cohorts (Lek et al., 2016).Additionally, this nonsense variant may qualify for nonsense read-through therapy.

NM_004006.3(DMD):c.5533G>T (p.Glu1845Ter)

Gene: DMD (dystrophin; minus strand). Cytogenetic location: Xp21.1.
Variant type: single nucleotide variant.
Coding change: c.5533G>T on transcript NM_004006.3 (MANE Select); coding-DNA position 5533, G replaced by T.
Protein change: p.Glu1845Ter; replaces glutamic acid 1845 with a stop codon.
Molecular consequence: nonsense.
Genome position (GRCh38, 1-based): chrX:32,345,996, C>A on the plus strand (G>T on the coding strand, the complement: DMD is on the minus strand). VCF-style: chrX-32345996-C-A. GRCh37 (hg19) VCF-style: chrX-32364113-C-A.
Other names: c.5509G>T, p.Glu1837Ter (NM_000109.4); c.5521G>T, p.Glu1841Ter (NM_004009.3); c.5164G>T, p.Glu1722Ter (NM_004010.3); c.1510G>T, p.Glu504Ter (NM_004011.4); c.1501G>T, p.Glu501Ter (NM_004012.4); short protein forms E1845*, E1841*, E504*, E1722*, E1837*, E501*.
Identifiers: ClinVar variation 545963 (VCV000545963.4), dbSNP rs1354256883, ClinGen allele CA412667327.